The following is an entry in ClinVar:

NM_000203.5(IDUA):c.403dup (p.Ser135fs)

Gene: IDUA (alpha-L-iduronidase; plus strand). Cytogenetic location: 4p16.3.
Variant type: Duplication.
Coding change: c.403dup on transcript NM_000203.5 (MANE Select); coding-DNA position 403, one base duplicated (A; older notation c.403dupA).
Protein change: p.Ser135fs; shifts the reading frame from serine 135.
Molecular consequence: frameshift variant. On other transcripts: non-coding transcript variant (1).
Genome position (GRCh38, 1-based): chr4:1,000,899, A duplicated. VCF-style (leftmost placement, unchanged base first): chr4-1000898-C-CA. GRCh37 (hg19) VCF-style: chr4-994686-C-CA.
Other names: c.7dup, p.Ser3fs (NM_001363576.1); short protein forms S135fs, S3fs.
Identifiers: ClinVar variation 3037130 (VCV003037130.2), dbSNP rs2534079094, ClinGen allele CA913108028.

ClinVar aggregate classification (germline): Likely pathogenic (0 of 4 stars; one submission).

Conditions:
IDUA-related disorder. Also called: IDUA-related condition.

Submission:

PreventionGenetics, part of Exact Sciences
Classification: Likely pathogenic for IDUA-related condition. Last evaluated: 2023-12-07. Review status: no assertion criteria provided. Collection method: clinical testing. Allele origin: germline.
Comment: The IDUA c.403dupA variant is predicted to result in a frameshift and premature protein termination (p.Ser135Lysfs*8). To our knowledge, this variant has not been reported in the literature or in a large population database, indicating this variant is rare. Frameshift variants in IDUA are expected to be pathogenic. This variant is interpreted as likely pathogenic.